The following is an entry in ClinVar:

ClinVar aggregate classification (germline): Uncertain significance (1 of 4 stars; one submission).

Conditions:
Warburg micro syndrome 2 (WARBM2). Also called: MICRO SYNDROME 2. Identifiers: Orphanet 2510, MedGen C3280214, MONDO:0013641, OMIM 614225.
Martsolf syndrome (MARTS). Also called: Congenital cataract with intellectual disability and hypogonadotropic hypogonadism syndrome. Identifiers: Orphanet 1387, MedGen C0796037, MONDO:0023910.

Allele frequency attached by ClinVar (database versions not stated): gnomAD exomes below 0.00001; TOPMed 0.00001.
gnomAD v4.1: 4 of 1,614,168 alleles (0.00025%); highest among the groups gnomAD compares: Admixed American, 0.0067%; no homozygotes.

Submission:

Labcorp Genetics (formerly Invitae), Labcorp
Classification: Uncertain significance for Martsolf syndrome; Warburg micro syndrome 2. Last evaluated: 2021-08-22. Review status: criteria provided, single submitter. Criteria: Invitae Variant Classification Sherloc (09022015). Collection method: clinical testing. Allele origin: germline.
Comment: This sequence change replaces glutamic acid with glutamine at codon 1351 of the RAB3GAP2 protein (p.Glu1351Gln). The glutamic acid residue is weakly conserved and there is a small physicochemical difference between glutamic acid and glutamine. This variant is not present in population databases (ExAC no frequency). This variant has not been reported in the literature in individuals affected with RAB3GAP2-related conditions. Algorithms developed to predict the effect of missense changes on protein structure and function (SIFT, PolyPhen-2, Align-GVGD) all suggest that this variant is likely to be tolerated. In summary, the available evidence is currently insufficient to determine the role of this variant in disease. Therefore, it has been classified as a Variant of Uncertain Significance.

NM_012414.4(RAB3GAP2):c.4051G>C (p.Glu1351Gln)

Gene: RAB3GAP2 (RAB3 GTPase activating non-catalytic protein subunit 2; minus strand). Cytogenetic location: 1q41.
Variant type: single nucleotide variant.
Coding change: c.4051G>C on transcript NM_012414.4 (MANE Select); coding-DNA position 4051, G replaced by C.
Protein change: p.Glu1351Gln; replaces glutamic acid 1351 with glutamine.
Molecular consequence: missense variant.
Genome position (GRCh38, 1-based): chr1:220,151,382, C>G on the plus strand (G>C on the coding strand, the complement: RAB3GAP2 is on the minus strand). VCF-style: chr1-220151382-C-G. GRCh37 (hg19) VCF-style: chr1-220324724-C-G.
Other names: short protein forms E1351Q.
Identifiers: ClinVar variation 1495931 (VCV001495931.3), dbSNP rs1558136466, ClinGen allele CA344623625.